The following is an entry in ClinVar:

NM_001846.4(COL4A2):c.4961del (p.Pro1654fs)

Gene: COL4A2 (collagen type IV alpha 2 chain; plus strand). Cytogenetic location: 13q34.
Variant type: Deletion.
Coding change: c.4961del on transcript NM_001846.4 (MANE Select); coding-DNA position 4961, one base deleted (C; older notation c.4961delC).
Protein change: p.Pro1654fs; shifts the reading frame from proline 1654.
Molecular consequence: frameshift variant.
Genome position (GRCh38, 1-based): chr13:110,512,013, C deleted; the last of 2 consecutive C bases (chr13:110,512,012-110,512,013); deleting either gives the same sequence. VCF-style (leftmost placement, unchanged base first): chr13-110512011-AC-A. GRCh37 (hg19) VCF-style: chr13-111164358-AC-A.
Other names: short protein forms P1654fs.
Identifiers: ClinVar variation 4690075 (VCV004690075.1).

ClinVar aggregate classification (germline): Uncertain significance (1 of 4 stars; one submission).

Submission:

GeneDx
Classification: Uncertain significance. Last evaluated: 2025-07-31. Review status: criteria provided, single submitter. Criteria: GeneDx Variant Classification Process June 2021. Collection method: clinical testing. Allele origin: germline. Affected: yes.
Comment: Not observed at significant frequency in large population cohorts (gnomAD); Has not been previously published as pathogenic or benign to our knowledge; Frameshift variant predicted to result in abnormal protein length as the last 59 amino acids are replaced with 22 different amino acids with an unclear effect on protein function